The following is an entry in ClinVar:

ClinVar aggregate classification (germline): Uncertain significance (1 of 4 stars; one submission).

Conditions:
Inborn genetic diseases. Identifiers: MedGen C0950123, MeSH D030342.

Submission:

Ambry Genetics
Classification: Uncertain significance for Inborn genetic diseases. Last evaluated: 2024-11-22. Review status: criteria provided, single submitter. Criteria: Ambry Variant Classification Scheme 2023. Collection method: clinical testing. Allele origin: germline.
Comment: The p.T1195S variant (also known as c.3583A>T), located in coding exon 14 of the FANCM gene, results from an A to T substitution at nucleotide position 3583. The threonine at codon 1195 is replaced by serine, an amino acid with similar properties. This amino acid position is conserved. In addition, this alteration is predicted to be tolerated by in silico analysis. Based on the available evidence, the clinical significance of this variant remains unclear.

NM_020937.4(FANCM):c.3583A>T (p.Thr1195Ser)

Gene: FANCM (FA complementation group M; plus strand). Cytogenetic location: 14q21.2.
Variant type: single nucleotide variant.
Coding change: c.3583A>T on transcript NM_020937.4 (MANE Select); coding-DNA position 3583, A replaced by T.
Protein change: p.Thr1195Ser; replaces threonine 1195 with serine.
Molecular consequence: missense variant.
Genome position (GRCh38, 1-based): chr14:45,176,337, A>T. VCF-style: chr14-45176337-A-T. GRCh37 (hg19) VCF-style: chr14-45645540-A-T.
Other names: c.3505A>T, p.Thr1169Ser (NM_001308133.2); short protein forms T1169S, T1195S.
Identifiers: ClinVar variation 3512907 (VCV003512907.1).